The following is an entry in ClinVar:

ClinVar aggregate classification (germline): Uncertain significance. Review status: criteria provided, multiple submitters, no conflicts (2 of 4 stars). 2 submissions from 2 submitters: Uncertain significance (2). Last evaluated 2025-01-18.

Conditions:
Hereditary cancer-predisposing syndrome. Also called: Neoplastic Syndromes, Hereditary; Tumor predisposition; Hereditary neoplastic syndrome; Hereditary Cancer Syndrome. Identifiers: Orphanet 140162, MedGen C0027672, MeSH D009386, MONDO:0015356.
Familial cancer of breast. Also called: BREAST CANCER, FAMILIAL; Hereditary breast cancer; hereditary breast carcinoma. Identifiers: Orphanet 227535, MedGen C0346153, MONDO:0016419, OMIM 114480. Disease mechanism: loss of function.

gnomAD v4.1: 1 of 1,613,686 alleles (0.000062%); highest among the groups gnomAD compares: Non-Finnish European, 0.000085%; no homozygotes.

Submissions (2):

Ambry Genetics
Classification: Uncertain significance for Hereditary cancer-predisposing syndrome. Last evaluated: 2025-01-18. Review status: criteria provided, single submitter. Criteria: Ambry Variant Classification Scheme 2023. Collection method: clinical testing. Allele origin: germline.
Comment: The p.D101N variant (also known as c.301G>A), located in coding exon 4 of the PALB2 gene, results from a G to A substitution at nucleotide position 301. The aspartic acid at codon 101 is replaced by asparagine, an amino acid with highly similar properties. This amino acid position is conserved. In addition, this alteration is predicted to be tolerated by in silico analysis. Since supporting evidence is limited at this time, the clinical significance of this alteration remains unclear.

Labcorp Genetics (formerly Invitae), Labcorp
Classification: Uncertain significance for Familial cancer of breast. Last evaluated: 2023-02-10. Review status: criteria provided, single submitter. Criteria: Invitae Variant Classification Sherloc (09022015). Collection method: clinical testing. Allele origin: germline.
Comment: This variant has not been reported in the literature in individuals affected with PALB2-related conditions. This sequence change replaces aspartic acid, which is acidic and polar, with asparagine, which is neutral and polar, at codon 101 of the PALB2 protein (p.Asp101Asn). This variant is not present in population databases (gnomAD no frequency). Algorithms developed to predict the effect of missense changes on protein structure and function are either unavailable or do not agree on the potential impact of this missense change (SIFT: "Tolerated"; PolyPhen-2: "Possibly Damaging"; Align-GVGD: "Class C0"). In summary, the available evidence is currently insufficient to determine the role of this variant in disease. Therefore, it has been classified as a Variant of Uncertain Significance.

NM_024675.4(PALB2):c.301G>A (p.Asp101Asn)

Gene: PALB2 (partner and localizer of BRCA2; minus strand). Cytogenetic location: 16p12.2.
Variant type: single nucleotide variant.
Coding change: c.301G>A on transcript NM_024675.4 (MANE Select); coding-DNA position 301, G replaced by A.
Protein change: p.Asp101Asn; replaces aspartic acid 101 with asparagine.
Molecular consequence: missense variant. On other transcripts: 5 prime UTR variant (8), intron variant (3).
Genome position (GRCh38, 1-based): chr16:23,636,245, C>T on the plus strand (G>A on the coding strand, the complement: PALB2 is on the minus strand). VCF-style: chr16-23636245-C-T. GRCh37 (hg19) VCF-style: chr16-23647566-C-T.
Other names: c.301G>A, p.Asp101Asn (NM_001407302.1, NM_001407297.1, NM_001407298.1 and 3 more transcripts); c.-585G>A (NM_001407304.1, NM_001407305.1, NM_001407306.1 and 5 more transcripts); c.48+4865G>A (NM_001407314.1); c.-105+4865G>A (NM_001407313.1, NM_001407312.1); c.241G>A, p.Asp81Asn (NM_001407296.1); short protein forms D101N, D81N.
Identifiers: ClinVar variation 2453294 (VCV002453294.6), dbSNP rs794727654, ClinGen allele CA395138802.